The following is an entry in ClinVar:

t(6;17)(p21.1;q24.3)

Genes: FRS3 (fibroblast growth factor receptor substrate 3; minus strand), MDFI (MyoD family inhibitor; plus strand), PGC (progastricsin; minus strand), TFEB (transcription factor EB; minus strand). Cytogenetic location: 17q24.3.
Variant type: Translocation.
Identifiers: ClinVar variation 518451 (VCV000518451.3).

ClinVar aggregate classification (germline): Likely pathogenic (1 of 4 stars; one submission).

Conditions:
Camptomelic dysplasia (CMPD). Also called: CMPD1/SRA1; Campomelic Dysplasia. Identifiers: Orphanet 140, MedGen C1861922, MONDO:0007251, OMIM 114290.

Submission:

Kahle Lab, Yale University
Classification: Likely pathogenic for Camptomelic dysplasia. Last evaluated: 2018-01-18. Review status: criteria provided, single submitter. Criteria: Antwi et al. (Cold Spring Harb Mol Case Stud. 2018). Collection method: clinical testing. Allele origin: de novo. Affected: yes. Observed: 1 variant allele.
Comment: The translocation is upstream of SOX9, the only gene known to have pathogenic variants in campomelic dysplasia. This translocation, like those previously reported, results in under-expression of SOX9, leading to the disease phenotype.

Literature cited by the submitters: PubMed 28965976; PubMed 24821304.